The following is an entry in ClinVar:

ClinVar aggregate classification (germline): Benign/Likely benign. Review status: criteria provided, multiple submitters, no conflicts (2 of 4 stars). 2 submissions from 2 submitters: Benign (1); Likely benign (1). Last evaluated 2025-11-28.

Allele frequency attached by ClinVar (database versions not stated): ESP Exome Variant Server 0.00021; gnomAD exomes 0.00032; ExAC 0.00044; 1000 Genomes Project 0.00053; gnomAD 0.00054; TOPMed 0.00062; 1000 Genomes Project 30x 0.00083.
gnomAD v4.1: 430 of 1,127,900 alleles (0.038%); highest among the groups gnomAD compares: Admixed American, 0.078%; 2 homozygotes.

Submissions (2):

Labcorp Genetics (formerly Invitae), Labcorp
Classification: Benign. Last evaluated: 2025-11-28. Review status: criteria provided, single submitter. Criteria: Invitae Variant Classification Sherloc (09022015). Collection method: clinical testing. Allele origin: germline.

CeGaT Center for Human Genetics Tuebingen
Classification: Likely benign. Last evaluated: 2023-02-01. Review status: criteria provided, single submitter. Criteria: CeGaT Center For Human Genetics Tuebingen Variant Classification Criteria Version 2. Collection method: clinical testing. Allele origin: germline. Affected: yes. Observed: 3 variant alleles.
Comment: THOC2: BP4, BP7, BS2

NM_001081550.2(THOC2):c.858A>T (p.Val286=)

Gene: THOC2 (THO complex subunit 2; minus strand). Cytogenetic location: Xq25.
Variant type: single nucleotide variant.
Coding change: c.858A>T on transcript NM_001081550.2 (MANE Select); coding-DNA position 858, A replaced by T.
Protein change: p.Val286=; no amino-acid change (valine 286 retained).
Molecular consequence: synonymous variant.
Genome position (GRCh38, 1-based): chrX:123,671,672, T>A on the plus strand (A>T on the coding strand, the complement: THOC2 is on the minus strand). VCF-style: chrX-123671672-T-A. GRCh37 (hg19) VCF-style: chrX-122805523-T-A.
Identifiers: ClinVar variation 2661350 (VCV002661350.25), dbSNP rs188944089, ClinGen allele CA10507821.